The following is an entry in ClinVar:

ClinVar aggregate classification (germline): Uncertain significance (1 of 4 stars; one submission).

Conditions:
Epilepsy, familial focal, with variable foci 3 (FFEVF3). Identifiers: MedGen C4310708, MONDO:0014925, OMIM 617118.

Submission:

Juno Genomics, Hangzhou Juno Genomics, Inc
Classification: Uncertain significance for Epilepsy, familial focal, with variable foci 3. Review status: criteria provided, single submitter. Criteria: ACMG Guidelines, 2015. Collection method: clinical testing. Allele origin: germline.
Comment: Absent from controls (or at extremely low frequency if recessive) in Genome Aggregation Database.;Multiple lines of computational evidence support a deleterious effect on the gene or gene product.

NM_001077350.3(NPRL3):c.188G>C (p.Arg63Thr)

Genes: HBA-LCR (alpha-globin locus control region; plus strand), NPRL3 (NPR3 like, GATOR1 complex subunit; minus strand). Cytogenetic location: 16p13.3.
Variant type: single nucleotide variant.
Coding change: c.188G>C on transcript NM_001077350.3 (MANE Select); coding-DNA position 188, G replaced by C.
Protein change: p.Arg63Thr; replaces arginine 63 with threonine.
Molecular consequence: missense variant. On other transcripts: 5 prime UTR variant (2).
Genome position (GRCh38, 1-based): chr16:130,522, C>G on the plus strand (G>C on the coding strand, the complement: NPRL3 is on the minus strand). VCF-style: chr16-130522-C-G. GRCh37 (hg19) VCF-style: chr16-180521-C-G.
Other names: c.-145G>C (NM_001039476.3); c.-184G>C (NM_001243247.2); c.188G>C, p.Arg63Thr (NM_001243248.2, NM_001243249.2); short protein forms R63T.
Identifiers: ClinVar variation 5005506 (VCV005005506.2).